The following is an entry in ClinVar:

ClinVar aggregate classification (germline): Likely pathogenic (1 of 4 stars; one submission).

Submission:

Labcorp Genetics (formerly Invitae), Labcorp
Classification: Likely pathogenic. Last evaluated: 2025-10-12. Review status: criteria provided, single submitter. Criteria: Invitae Variant Classification Sherloc (09022015). Collection method: clinical testing. Allele origin: germline.
Comment: This sequence change affects a splice site in intron 8 of the LRP5 gene. It is expected to disrupt RNA splicing. Variants that disrupt the donor or acceptor splice site typically lead to a loss of protein function (PMID: 16199547), and loss-of-function variants in LRP5 are known to be pathogenic (PMID: 11719191, 16252235, 25711638). This variant is not present in population databases (gnomAD no frequency). This variant has not been reported in the literature in individuals affected with LRP5-related conditions. Algorithms developed to predict the effect of sequence changes on RNA splicing suggest that this variant may disrupt the consensus splice site. In summary, the currently available evidence indicates that the variant is pathogenic, but additional data are needed to prove that conclusively. Therefore, this variant has been classified as Likely Pathogenic.

Literature cited by the submitters: PubMed 16199547; PubMed 11719191; PubMed 16252235; PubMed 25711638.

NM_002335.4(LRP5):c.1802-7_1802-1del

Gene: LRP5 (LDL receptor related protein 5; plus strand). Cytogenetic location: 11q13.2.
Variant type: Deletion.
Coding change: c.1802-7_1802-1del on transcript NM_002335.4 (MANE Select); 7 bases into the intron before coding-DNA position 1802 through the canonical splice acceptor site of the intron before coding-DNA position 1802, 7 bases deleted (CTTCCAG; older notation c.1802-7_1802-1delCTTCCAG).
Molecular consequence: splice acceptor variant.
Genome position (GRCh38, 1-based): chr11:68,406,517-68,406,523, CTTCCAG deleted; deleting any 7 consecutive bases within chr11:68,406,516-68,406,523 gives the same sequence; the c. name uses the placement nearest the transcript's 3' end. VCF-style (leftmost placement, unchanged base first): chr11-68406515-CGCTTCCA-C. GRCh37 (hg19) VCF-style: chr11-68173983-CGCTTCCA-C.
Other names: c.59-7_59-1del (NM_001291902.2).
Identifiers: ClinVar variation 4720282 (VCV004720282.1).